The following is an entry in ClinVar:

ClinVar aggregate classification (germline): Uncertain significance. Review status: criteria provided, multiple submitters, no conflicts (2 of 4 stars). 2 submissions from 2 submitters: Uncertain significance (2). Last evaluated 2025-12-31.

Conditions:
Ataxia-telangiectasia syndrome (AT). Also called: Cerebello-oculocutaneous telangiectasia; Immunodeficiency with ataxia telangiectasia; Ataxia-telangiectasia, complementation group D; AT, COMPLEMENTATION GROUP C; Ataxia-telangiectasia, complementation group E; LOUIS-BAR SYNDROME. Identifiers: Orphanet 100, MedGen C0004135, MONDO:0008840, OMIM 208900.
Familial cancer of breast. Also called: Hereditary breast cancer; hereditary breast carcinoma; BREAST CANCER, FAMILIAL. Identifiers: Orphanet 227535, MedGen C0346153, MONDO:0016419, OMIM 114480. Disease mechanism: loss of function.
Hereditary cancer-predisposing syndrome. Also called: Tumor predisposition; Hereditary Cancer Syndrome; Neoplastic Syndromes, Hereditary; Hereditary neoplastic syndrome. Identifiers: Orphanet 140162, MedGen C0027672, MeSH D009386, MONDO:0015356.

Submissions (2):

Labcorp Genetics (formerly Invitae), Labcorp
Classification: Uncertain significance for Ataxia-telangiectasia syndrome. Last evaluated: 2025-12-31. Review status: criteria provided, single submitter. Criteria: Invitae Variant Classification Sherloc (09022015). Collection method: clinical testing. Allele origin: germline.
Comment: This sequence change replaces aspartic acid, which is acidic and polar, with valine, which is neutral and non-polar, at codon 1548 of the ATM protein (p.Asp1548Val). This variant is not present in population databases (gnomAD no frequency). This variant has not been reported in the literature in individuals affected with ATM-related conditions. ClinVar contains an entry for this variant (Variation ID: 453532). Invitae Evidence Modeling of protein sequence and biophysical properties (such as structural, functional, and spatial information, amino acid conservation, physicochemical variation, residue mobility, and thermodynamic stability) indicates that this missense variant is not expected to disrupt ATM protein function with a negative predictive value of 95%. In summary, the available evidence is currently insufficient to determine the role of this variant in disease. Therefore, it has been classified as a Variant of Uncertain Significance.

Ambry Genetics
Classification: Uncertain significance for Hereditary cancer-predisposing syndrome. Last evaluated: 2021-11-02. Review status: criteria provided, single submitter. Criteria: Ambry Variant Classification Scheme 2023. Collection method: clinical testing. Allele origin: germline.
Comment: The p.D1548V variant (also known as c.4643A>T), located in coding exon 30 of the ATM gene, results from an A to T substitution at nucleotide position 4643. The aspartic acid at codon 1548 is replaced by valine, an amino acid with highly dissimilar properties. This amino acid position is not well conserved in available vertebrate species. In addition, this alteration is predicted to be tolerated by in silico analysis. Since supporting evidence is limited at this time, the clinical significance of this alteration remains unclear.

NM_000051.4(ATM):c.4643A>T (p.Asp1548Val)

Gene: ATM (ATM serine/threonine kinase; plus strand). Cytogenetic location: 11q22.3.
Variant type: single nucleotide variant.
Coding change: c.4643A>T on transcript NM_000051.4 (MANE Select); coding-DNA position 4643, A replaced by T.
Protein change: p.Asp1548Val; replaces aspartic acid 1548 with valine.
Molecular consequence: missense variant.
Genome position (GRCh38, 1-based): chr11:108,293,344, A>T. VCF-style: chr11-108293344-A-T. GRCh37 (hg19) VCF-style: chr11-108164071-A-T.
Other names: c.4643A>T, p.Asp1548Val (NM_001351834.2); short protein forms D1548V.
Identifiers: ClinVar variation 453532 (VCV000453532.12), dbSNP rs1448017467, ClinGen allele CA382534632.